The following is an entry in ClinVar:

NM_000379.4(XDH):c.2013G>A (p.Val671=)

Gene: XDH (xanthine dehydrogenase; minus strand). Cytogenetic location: 2p23.1.
Variant type: single nucleotide variant.
Coding change: c.2013G>A on transcript NM_000379.4 (MANE Select); coding-DNA position 2013, G replaced by A.
Protein change: p.Val671=; no amino-acid change (valine 671 retained).
Molecular consequence: synonymous variant.
Genome position (GRCh38, 1-based): chr2:31,368,628, C>T on the plus strand (G>A on the coding strand, the complement: XDH is on the minus strand). VCF-style: chr2-31368628-C-T. GRCh37 (hg19) VCF-style: chr2-31591494-C-T.
Identifiers: ClinVar variation 790816 (VCV000790816.16), dbSNP rs200635805, ClinGen allele CA1598989.

ClinVar aggregate classification (germline): Benign. Review status: criteria provided, multiple submitters, no conflicts (2 of 4 stars). 4 submissions from 4 submitters: Benign (3). 1 of the submissions does not count toward it. Last evaluated 2026-01-18.

Conditions:
XDH-related disorder. Also called: XDH-related condition.
Xanthinuria type II. Also called: Xanthine dehydrogenase and aldehyde oxidase combined deficiency of; XDH and AOX dual deficiency. Identifiers: Orphanet 3467, Orphanet 93602, MedGen C1863688, MONDO:0011346, OMIM 603592.
Hereditary xanthinuria type 1 (XAN1). Identifiers: Orphanet 3467, Orphanet 93601, MedGen C0268118, MONDO:0010209, OMIM 278300.

Allele frequency attached by ClinVar (database versions not stated): gnomAD 0.00005 and 0.00070; ESP Exome Variant Server 0.00008; TOPMed 0.00014; 1000 Genomes Project 30x 0.00562; 1000 Genomes Project 0.00579.
gnomAD v4.1: 1,971 of 1,614,184 alleles (0.12%); highest among the groups gnomAD compares: South Asian, 2%; 36 homozygotes.

Submissions (4):

Labcorp Genetics (formerly Invitae), Labcorp
Classification: Benign for Xanthinuria type II. Last evaluated: 2026-01-18. Review status: criteria provided, single submitter. Criteria: Invitae Variant Classification Sherloc (09022015). Collection method: clinical testing. Allele origin: germline.

Genome-Nilou Lab
Classification: Benign for Hereditary xanthinuria type 1. Last evaluated: 2021-12-05. Review status: criteria provided, single submitter. Criteria: ACMG Guidelines, 2015. Collection method: clinical testing. Allele origin: germline. Affected: no.

Illumina Laboratory Services, Illumina
Classification: Benign for Hereditary xanthinuria type 1. Last evaluated: 2018-01-12. Review status: criteria provided, single submitter. Criteria: ICSL Variant Classification Criteria 13 December 2019. Collection method: clinical testing. Allele origin: germline.
Comment: This variant was observed in the ICSL laboratory as part of a predisposition screen in an ostensibly healthy population. It had not been previously curated by ICSL or reported in the Human Gene Mutation Database (HGMD: prior to June 1st, 2018), and was therefore a candidate for classification through an automated scoring system. Utilizing variant allele frequency, disease prevalence and penetrance estimates, and inheritance mode, an automated score was calculated to assess if this variant is too frequent to cause the disease. Based on the score and internal cut-off values, a variant classified as benign is not then subjected to further curation. The score for this variant resulted in a classification of benign for this disease.

PreventionGenetics, part of Exact Sciences
Classification: Benign for XDH-related condition. Last evaluated: 2019-09-23. Review status: no assertion criteria provided. Collection method: clinical testing. Allele origin: germline. Not counted in ClinVar's aggregate classification.
Comment: This variant is classified as benign based on ACMG/AMP sequence variant interpretation guidelines (Richards et al. 2015 PMID: 25741868, with internal and published modifications).